The following is an entry in ClinVar:

ClinVar aggregate classification (germline): Likely benign (1 of 4 stars; one submission).

gnomAD v4.1: 9,557 of 1,612,276 alleles (0.59%); highest among the groups gnomAD compares: Non-Finnish European, 0.72%; 35 homozygotes.

Submission:

CeGaT Center for Human Genetics Tuebingen
Classification: Likely benign. Last evaluated: 2025-02-01. Review status: criteria provided, single submitter. Criteria: CeGaT Center For Human Genetics Tuebingen Variant Classification Criteria Version 2. Collection method: clinical testing. Allele origin: germline. Affected: yes. Observed: 1 variant allele.
Comment: MAMDC4: BP4, BS2

NM_206920.3(MAMDC4):c.2311A>T (p.Thr771Ser)

Gene: MAMDC4 (MAM domain containing 4; plus strand). Cytogenetic location: 9q34.3.
Variant type: single nucleotide variant.
Coding change: c.2311A>T on transcript NM_206920.3 (MANE Select); coding-DNA position 2311, A replaced by T.
Protein change: p.Thr771Ser; replaces threonine 771 with serine.
Molecular consequence: missense variant.
Genome position (GRCh38, 1-based): chr9:136,857,571, A>T. VCF-style: chr9-136857571-A-T. GRCh37 (hg19) VCF-style: chr9-139752023-A-T.
Other names: short protein forms T771S.
Identifiers: ClinVar variation 3770566 (VCV003770566.13).